The following is an entry in ClinVar:

ClinVar aggregate classification (germline): Pathogenic (1 of 4 stars; one submission).

Submission:

Labcorp Genetics (formerly Invitae), Labcorp
Classification: Pathogenic. Last evaluated: 2023-12-28. Review status: criteria provided, single submitter. Criteria: Invitae Variant Classification Sherloc (09022015). Collection method: clinical testing. Allele origin: germline.
Comment: This sequence change creates a premature translational stop signal (p.Pro4638Glnfs*49) in the ADGRV1 gene. It is expected to result in an absent or disrupted protein product. Loss-of-function variants in ADGRV1 are known to be pathogenic (PMID: 19357117, 22135276, 22147658, 26226137, 30718709, 31047384, 32467589). The frequency data for this variant in the population databases is considered unreliable, as metrics indicate poor data quality at this position in the gnomAD database. This variant has not been reported in the literature in individuals affected with ADGRV1-related conditions. ClinVar contains an entry for this variant (Variation ID: 1071608). For these reasons, this variant has been classified as Pathogenic.

Literature cited by the submitters: PubMed 19357117; PubMed 22135276; PubMed 22147658; PubMed 26226137; PubMed 30718709; PubMed 31047384; PubMed 32467589.

NM_032119.4(ADGRV1):c.13913del (p.Pro4638fs)

Gene: ADGRV1 (adhesion G protein-coupled receptor V1; plus strand). Cytogenetic location: 5q14.3.
Variant type: Deletion.
Coding change: c.13913del on transcript NM_032119.4 (MANE Select); coding-DNA position 13913, one base deleted (C; older notation c.13913delC).
Protein change: p.Pro4638fs; shifts the reading frame from proline 4638.
Molecular consequence: frameshift variant. On other transcripts: non-coding transcript variant (1).
Genome position (GRCh38, 1-based): chr5:90,789,721, C deleted; the last of 3 consecutive C bases (chr5:90,789,719-90,789,721); deleting any one gives the same sequence. VCF-style (leftmost placement, unchanged base first): chr5-90789718-AC-A. GRCh37 (hg19) VCF-style: chr5-90085535-AC-A.
Other names: short protein forms P4638fs.
Identifiers: ClinVar variation 1071608 (VCV001071608.8), dbSNP rs1264269542, ClinGen allele CA560908601.